The following is an entry in ClinVar:

ClinVar aggregate classification (germline): Uncertain significance (1 of 4 stars; one submission).

Conditions:
KSR2-related disorder. Also called: KSR2-related condition.

gnomAD v4.1: 1 of 1,604,430 alleles (0.000062%); highest among the groups gnomAD compares: Non-Finnish European, 0.000085%; no homozygotes.

Submission:

PreventionGenetics, part of Exact Sciences
Classification: Uncertain significance for KSR2-related condition. Last evaluated: 2026-07-01. Review status: criteria provided, single submitter. Criteria: ACMG Guidelines, 2015. Collection method: clinical testing. Allele origin: germline.
Comment: The KSR2 c.535C>G variant is predicted to result in the amino acid substitution p.His179Asp. To our knowledge, this variant has not been reported in the literature or in a large population database (gnomAD), indicating this variant is rare. At this time, the clinical significance of this variant is uncertain due to the absence of conclusive functional and genetic evidence.

NM_173598.6(KSR2):c.622C>G (p.His208Asp)

Gene: KSR2 (kinase suppressor of ras 2; minus strand). Cytogenetic location: 12q24.23.
Variant type: single nucleotide variant.
Coding change: c.622C>G on transcript NM_173598.6 (MANE Select); coding-DNA position 622, C replaced by G.
Protein change: p.His208Asp; replaces histidine 208 with aspartic acid.
Molecular consequence: missense variant.
Genome position (GRCh38, 1-based): chr12:117,761,375, G>C on the plus strand (C>G on the coding strand, the complement: KSR2 is on the minus strand). VCF-style: chr12-117761375-G-C. GRCh37 (hg19) VCF-style: chr12-118199180-G-C.
Other names: short protein forms H208D.
Identifiers: ClinVar variation 4985171 (VCV004985171.1).